The following is an entry in ClinVar:

NM_024675.4(PALB2):c.1317G>A (p.Gly439=)

Gene: PALB2 (partner and localizer of BRCA2; minus strand). Cytogenetic location: 16p12.2.
Variant type: single nucleotide variant.
Coding change: c.1317G>A on transcript NM_024675.4 (MANE Select); coding-DNA position 1317, G replaced by A.
Protein change: p.Gly439=; no amino-acid change (glycine 439 retained).
Molecular consequence: synonymous variant.
Genome position (GRCh38, 1-based): chr16:23,635,229, C>T on the plus strand (G>A on the coding strand, the complement: PALB2 is on the minus strand). VCF-style: chr16-23635229-C-T. GRCh37 (hg19) VCF-style: chr16-23646550-C-T.
Identifiers: ClinVar variation 126597 (VCV000126597.18), dbSNP rs515726066, ClinGen allele CA269486.

ClinVar aggregate classification (germline): Benign/Likely benign. Review status: criteria provided, multiple submitters, no conflicts (2 of 4 stars). 5 submissions from 5 submitters: Benign (1); Likely benign (3). 1 of the submissions does not count toward it. Last evaluated 2025-01-13.

Conditions:
Hereditary cancer-predisposing syndrome. Also called: Hereditary Cancer Syndrome; Hereditary neoplastic syndrome; Tumor predisposition; Neoplastic Syndromes, Hereditary. Identifiers: Orphanet 140162, MedGen C0027672, MeSH D009386, MONDO:0015356.
Familial cancer of breast. Also called: BREAST CANCER, FAMILIAL; hereditary breast carcinoma; Hereditary breast cancer. Identifiers: Orphanet 227535, MedGen C0346153, MONDO:0016419, OMIM 114480. Disease mechanism: loss of function.

Submissions (5):

Myriad Genetics, Inc.
Classification: Benign for Familial cancer of breast. Last evaluated: 2025-01-13. Review status: criteria provided, single submitter. Criteria: Myriad Autosomal Dominant, Autosomal Recessive and X-Linked Classification Criteria (2023). Collection method: clinical testing. Allele origin: unknown.
Comment: This variant is considered benign. This variant is a silent/synonymous amino acid change and it is not expected to impact splicing.

Labcorp Genetics (formerly Invitae), Labcorp
Classification: Likely benign for Familial cancer of breast. Last evaluated: 2024-12-13. Review status: criteria provided, single submitter. Criteria: Invitae Variant Classification Sherloc (09022015). Collection method: clinical testing. Allele origin: germline.

Color Diagnostics, LLC DBA Color Health
Classification: Likely benign for Hereditary cancer-predisposing syndrome. Last evaluated: 2023-02-06. Review status: criteria provided, single submitter. Criteria: ACMG Guidelines, 2015. Collection method: clinical testing. Allele origin: germline.

Ambry Genetics
Classification: Likely benign for Hereditary cancer-predisposing syndrome. Last evaluated: 2021-01-20. Review status: criteria provided, single submitter. Criteria: Ambry Variant Classification Scheme 2023. Collection method: clinical testing. Allele origin: germline.

Leiden Open Variation Database
Classification: Benign for Familial cancer of breast. Last evaluated: 2019-05-13. Review status: no assertion criteria provided. Collection method: curation. Allele origin: germline. Affected: yes. Not counted in ClinVar's aggregate classification.
Comment: Curators: Marc Tischkowitz, Arleen D. Auerbach. Submitter to LOVD: Marc Tischkowitz.

Literature cited by the submitters: PubMed 21285249 (cited by Leiden Open Variation Database).